The following is an entry in ClinVar:

ClinVar aggregate classification (germline): Benign. Review status: criteria provided, multiple submitters, no conflicts (2 of 4 stars). 2 submissions from 2 submitters: Benign (2). Last evaluated 2026-07-01.

Conditions:
Glycogen storage disease, type II (IOPD). Also called: CARDIOMEGALIA GLYCOGENICA DIFFUSA; GLYCOGENOSIS, GENERALIZED, CARDIAC FORM; GSD II; Glycogen storage disease type 2; Acid maltase deficiency disease; Aglucosidase alfa. Identifiers: Orphanet 365, MedGen C0017921, MONDO:0009290, OMIM 232300.

Allele frequency attached by ClinVar (database versions not stated): 1000 Genomes Project 30x 0.50921; 1000 Genomes Project 0.52336; gnomAD 0.58766 and 0.59100; gnomAD exomes 0.62268.

Submissions (2):

Genomenon, Inc
Classification: Benign for Glycogen storage disease, type II. Last evaluated: 2026-07-01. Review status: criteria provided, single submitter. Criteria: Genomenon Sequence Variant Interpretation Standards - Updated. Collection method: curation. Allele origin: germline. Affected: no.
Comment: GAA c.1636+117del is a deletion variant located in intron 11. This variant is present at high allele frequency in population databases. We classify GAA c.1636+117del as a benign variant.

GeneDx
Classification: Benign. Last evaluated: 2018-06-26. Review status: criteria provided, single submitter. Criteria: GeneDx Variant Classification Process June 2021. Collection method: clinical testing. Allele origin: germline. Affected: yes.

NM_000152.5(GAA):c.1636+117del

Gene: GAA (alpha glucosidase; plus strand). Cytogenetic location: 17q25.3.
Variant type: Deletion.
Coding change: c.1636+117del on transcript NM_000152.5 (MANE Select); 117 bases into the intron after coding-DNA position 1636, one base deleted (C; older notation c.1636+117delC).
Molecular consequence: intron variant.
Genome position (GRCh38, 1-based): chr17:80,111,142, C deleted. VCF-style (leftmost placement, unchanged base first): chr17-80111141-GC-G. GRCh37 (hg19) VCF-style: chr17-78084940-GC-G.
Other names: c.1636+117del (NM_001079803.3, NM_001079804.3).
Identifiers: ClinVar variation 1239567 (VCV001239567.4), dbSNP rs199788201, ClinGen allele CA294895191.
Genomic context (GRCh38, chr17:80,111,141, plus strand): 5'-CTGGCCTGGGAGACTTAGCACCCTCATCTCTGAGAAGCAGATGGGCCAGCGGGGAAAGGG[GC>G]GGGGGGGGGATCCCCAGGAGAAAGGCTCAGGCTGGGAGACTCAGCCAAGCAGTGCAGACA-3'